The following is an entry in ClinVar:

NM_005902.4(SMAD3):c.1118G>C (p.Arg373Pro)

Gene: SMAD3 (SMAD family member 3; plus strand). Cytogenetic location: 15q22.33.
Variant type: single nucleotide variant.
Coding change: c.1118G>C on transcript NM_005902.4 (MANE Select); coding-DNA position 1118, G replaced by C.
Protein change: p.Arg373Pro; replaces arginine 373 with proline.
Molecular consequence: missense variant.
Genome position (GRCh38, 1-based): chr15:67,187,473, G>C. VCF-style: chr15-67187473-G-C. GRCh37 (hg19) VCF-style: chr15-67479811-G-C.
Other names: c.803G>C, p.Arg268Pro (NM_001145102.2, NM_001407016.1); c.986G>C, p.Arg329Pro (NM_001145103.2, NM_001407012.1); c.533G>C, p.Arg178Pro (NM_001145104.2, NM_001407017.1); c.1229G>C, p.Arg410Pro (NM_001407011.1); c.980G>C, p.Arg327Pro (NM_001407013.1); c.971G>C, p.Arg324Pro (NM_001407014.1); c.671G>C, p.Arg224Pro (NM_001407015.1); short protein forms R178P, R327P, R373P, R324P, R410P, R224P, R329P, R268P.
Identifiers: ClinVar variation 4742592 (VCV004742592.1).

ClinVar aggregate classification (germline): Uncertain significance (1 of 4 stars; one submission).

Conditions:
Familial thoracic aortic aneurysm and aortic dissection (TAAD). Also called: Thoracic aortic aneurysms and dissections. Identifiers: Orphanet 91387, MedGen C4707243, MONDO:0019625.

Submission:

Labcorp Genetics (formerly Invitae), Labcorp
Classification: Uncertain significance for Familial thoracic aortic aneurysm and aortic dissection. Last evaluated: 2025-03-16. Review status: criteria provided, single submitter. Criteria: Invitae Variant Classification Sherloc (09022015). Collection method: clinical testing. Allele origin: germline.
Comment: This sequence change replaces arginine, which is basic and polar, with proline, which is neutral and non-polar, at codon 373 of the SMAD3 protein (p.Arg373Pro). This variant is not present in population databases (gnomAD no frequency). This missense change has been observed in individual(s) with SMAD3-related conditions (internal data). Invitae Evidence Modeling of protein sequence and biophysical properties (such as structural, functional, and spatial information, amino acid conservation, physicochemical variation, residue mobility, and thermodynamic stability) indicates that this missense variant is expected to disrupt SMAD3 protein function with a positive predictive value of 80%. This variant disrupts the p.Arg373 amino acid residue in SMAD3. Other variant(s) that disrupt this residue have been determined to be pathogenic (PMID: 16828225, 25944730, 30661052; internal data). This suggests that this residue is clinically significant, and that variants that disrupt this residue are likely to be disease-causing. In summary, the available evidence is currently insufficient to determine the role of this variant in disease. Therefore, it has been classified as a Variant of Uncertain Significance.

Literature cited by the submitters: PubMed 16828225; PubMed 25944730; PubMed 30661052.